The following is an entry in ClinVar:

NM_022835.3(PLEKHG2):c.4123A>G (p.Arg1375Gly)

Gene: PLEKHG2 (pleckstrin homology and RhoGEF domain containing G2; plus strand). Cytogenetic location: 19q13.2.
Variant type: single nucleotide variant.
Coding change: c.4123A>G on transcript NM_022835.3 (MANE Select); coding-DNA position 4123, A replaced by G.
Protein change: p.Arg1375Gly; replaces arginine 1375 with glycine.
Molecular consequence: missense variant. On other transcripts: synonymous variant (1).
Genome position (GRCh38, 1-based): chr19:39,425,256, A>G. VCF-style: chr19-39425256-A-G. GRCh37 (hg19) VCF-style: chr19-39915896-A-G.
Other names: c.3591A>G, p.Thr1197= (NM_001351693.2); c.1696A>G, p.Arg566Gly (NM_001351694.2); c.4123A>G (NM_022835.2); short protein forms R1375G, R566G.
Identifiers: ClinVar variation 1388019 (VCV001388019.5), dbSNP rs199999525, ClinGen allele CA9430141.

ClinVar aggregate classification (germline): Uncertain significance. Review status: criteria provided, multiple submitters, no conflicts (2 of 4 stars). 3 submissions from 3 submitters: Uncertain significance (3). Last evaluated 2025-08-03.

Allele frequency attached by ClinVar (database versions not stated): ESP Exome Variant Server 0.00024; ExAC 0.00026; gnomAD exomes 0.00028; gnomAD 0.00051 and 0.00054; 1000 Genomes Project 30x 0.00078; 1000 Genomes Project 0.00080; TOPMed 0.00087.
gnomAD v4.1: 447 of 1,613,466 alleles (0.028%); highest among the groups gnomAD compares: Middle Eastern, 0.17%; no homozygotes.

Submissions (3):

Ambry Genetics
Classification: Uncertain significance. Last evaluated: 2025-08-03. Review status: criteria provided, single submitter. Criteria: Ambry Variant Classification Scheme 2023. Collection method: clinical testing. Allele origin: germline.

Labcorp Genetics (formerly Invitae), Labcorp
Classification: Uncertain significance. Last evaluated: 2022-09-06. Review status: criteria provided, single submitter. Criteria: Invitae Variant Classification Sherloc (09022015). Collection method: clinical testing. Allele origin: germline.
Comment: This sequence change replaces arginine, which is basic and polar, with glycine, which is neutral and non-polar, at codon 1375 of the PLEKHG2 protein (p.Arg1375Gly). This variant is present in population databases (rs199999525, gnomAD 0.1%). This variant has not been reported in the literature in individuals affected with PLEKHG2-related conditions. ClinVar contains an entry for this variant (Variation ID: 1388019). Algorithms developed to predict the effect of missense changes on protein structure and function (SIFT, PolyPhen-2, Align-GVGD) all suggest that this variant is likely to be tolerated. In summary, the available evidence is currently insufficient to determine the role of this variant in disease. Therefore, it has been classified as a Variant of Uncertain Significance.

Breakthrough Genomics
Classification: Uncertain significance. Review status: criteria provided, single submitter. Criteria: ACMG Guidelines, 2015. Collection method: not provided. Allele origin: germline. Inheritance: Autosomal dominant inheritance. Affected: yes.